The following is an entry in ClinVar:

NM_003743.5(NCOA1):c.3403A>G (p.Met1135Val)

Gene: NCOA1 (nuclear receptor coactivator 1; plus strand). Cytogenetic location: 2p23.3.
Variant type: single nucleotide variant.
Coding change: c.3403A>G on transcript NM_003743.5 (MANE Select); coding-DNA position 3403, A replaced by G.
Protein change: p.Met1135Val; replaces methionine 1135 with valine.
Molecular consequence: missense variant.
Genome position (GRCh38, 1-based): chr2:24,741,883, A>G. VCF-style: chr2-24741883-A-G. GRCh37 (hg19) VCF-style: chr2-24964752-A-G.
Other names: c.3403A>G, p.Met1135Val (NM_001362950.1, NM_001362952.1, NM_001362954.1 and 3 more transcripts); short protein forms M1135V.
Identifiers: ClinVar variation 3350364 (VCV003350364.2).
Genomic context (GRCh38, chr2:24,741,883, plus strand): 5'-GAACTGTACAGTCAACAGCACCGACAGAGGCAGCTAATACAGCAGCAAAGAGCCATGCTT[A>G]TGAGGCAGCAAAGCTTTGGGAACAACCTCCCTCCCTCATCTGGACTACCAGTTCAAATGG-3'
Protein context (NP_003734.3, residues 1125-1145): QLIQQQRAML[Met1135Val]RQQSFGNNLP

ClinVar aggregate classification (germline): Uncertain significance. Review status: criteria provided, single submitter (1 of 4 stars). 2 submissions from 2 submitters: Uncertain significance (1). 1 of the submissions does not count toward it. Last evaluated 2025-02-26.

Conditions:
NCOA1-related disorder. Also called: NCOA1-related condition.

Submissions (2):

Ambry Genetics
Classification: Uncertain significance. Last evaluated: 2025-02-26. Review status: criteria provided, single submitter. Criteria: Ambry Variant Classification Scheme 2023. Collection method: clinical testing. Allele origin: germline.

PreventionGenetics, part of Exact Sciences
Classification: Uncertain significance for NCOA1-related condition. Last evaluated: 2024-04-06. Review status: no assertion criteria provided. Collection method: clinical testing. Allele origin: germline. Not counted in ClinVar's aggregate classification.
Comment: The NCOA1 c.3403A>G variant is predicted to result in the amino acid substitution p.Met1135Val. To our knowledge, this variant has not been reported in the literature. This variant is reported in 0.0018% of alleles in individuals of European (Non-Finnish) descent in gnomAD. At this time, the clinical significance of this variant is uncertain due to the absence of conclusive functional and genetic evidence.